The following is an entry in ClinVar:

ClinVar aggregate classification (germline): Benign/Likely benign. Review status: criteria provided, multiple submitters, no conflicts (2 of 4 stars). 3 submissions from 3 submitters: Benign (1); Likely benign (1). 1 of the submissions does not count toward it. Last evaluated 2026-02-04.

Conditions:
CFAP410-related disorder. Also called: CFAP410-related condition.

Allele frequency attached by ClinVar (database versions not stated): TOPMed 0.00019; gnomAD exomes 0.00049; ExAC 0.00103.
gnomAD v4.1: 192 of 1,454,126 alleles (0.013%); highest among the groups gnomAD compares: Non-Finnish European, 0.0033%; no homozygotes.

Submissions (4):

Labcorp Genetics (formerly Invitae), Labcorp
Classification: Likely benign. Last evaluated: 2026-02-04. Review status: criteria provided, single submitter. Criteria: Invitae Variant Classification Sherloc (09022015). Collection method: clinical testing. Allele origin: germline.

Blueprint Genetics
Classification: Benign. Last evaluated: 2024-08-30. Review status: criteria provided, single submitter. Criteria: ACMG Guidelines, 2015. Collection method: clinical testing. Allele origin: germline.

PreventionGenetics, part of Exact Sciences
Classification: Likely benign for CFAP410-related condition. Last evaluated: 2022-12-15. Review status: no assertion criteria provided. Collection method: clinical testing. Allele origin: germline. Not counted in ClinVar's aggregate classification.
Comment: This variant is classified as likely benign based on ACMG/AMP sequence variant interpretation guidelines (Richards et al. 2015 PMID: 25741868, with internal and published modifications).

Dr. Peter K. Rogan Lab, Western University
No classification provided (evidence only). Condition: Colorectal cancer. Review status: no classification provided. Collection method: in vitro. Allele origin: not applicable. Functional consequence: retained intron. Not counted in ClinVar's aggregate classification.

NM_004928.3(CFAP410):c.77+3G>T

Genes: CFAP410 (cilia and flagella associated protein 410; minus strand), LOC130066823 (ATAC-STARR-seq lymphoblastoid silent region 13383; plus strand). Cytogenetic location: 21q22.3.
Variant type: single nucleotide variant.
Coding change: c.77+3G>T on transcript NM_004928.3 (MANE Select); 3 bases into the intron after coding-DNA position 77, G replaced by T.
Molecular consequence: intron variant.
Genome position (GRCh38, 1-based): chr21:44,339,115, C>A on the plus strand (G>T on the coding strand, the complement: CFAP410 is on the minus strand). VCF-style: chr21-44339115-C-A. GRCh37 (hg19) VCF-style: chr21-45758998-C-A.
Other names: c.77+3G>T (NM_001271440.2, NM_001271441.2).
Identifiers: ClinVar variation 760753 (VCV000760753.13), dbSNP rs776633338, ClinGen allele CA10053906.
Genomic context (GRCh38, chr21:44,339,115, plus strand): 5'-GCCCTCGCCCCGCCCCGGCTCCTCCCCCCACCCCGGGGCGGCCGCGGCCAGGCCCCGCCT[C>A]ACCAGCAGTTGAGCTTGCGCACGCTGTGCAGCTCCGAGGCCTTGGCCCGGGTCAGAACCA-3'